The following is an entry in ClinVar:

NM_003036.4(SKI):c.1637G>A (p.Arg546Gln)

Gene: SKI (SKI proto-oncogene; plus strand). Cytogenetic location: 1p36.32.
Variant type: single nucleotide variant.
Coding change: c.1637G>A on transcript NM_003036.4 (MANE Select); coding-DNA position 1637, G replaced by A.
Protein change: p.Arg546Gln; replaces arginine 546 with glutamine.
Molecular consequence: missense variant.
Genome position (GRCh38, 1-based): chr1:2,304,455, G>A. VCF-style: chr1-2304455-G-A. GRCh37 (hg19) VCF-style: chr1-2235894-G-A.
Other names: p.Arg546Gln; short protein forms R546Q.
Identifiers: ClinVar variation 659196 (VCV000659196.16), dbSNP rs748681103, ClinGen allele CA536765.

ClinVar aggregate classification (germline): Conflicting classifications of pathogenicity. Review status: criteria provided, conflicting classifications (1 of 4 stars). 4 submissions from 4 submitters: Uncertain significance (2); Likely benign (2). Last evaluated 2026-02-01.

Conditions:
Shprintzen-Goldberg syndrome (SGS). Also called: Marfanoid disorder with craniosynostosis type 1; Marfanoid craniosynostosis syndrome; Shprintzen-Goldberg marfanoid syndrome; SHPRINTZEN-GOLDBERG CRANIOSYNOSTOSIS SYNDROME; CRANIOSYNOSTOSIS WITH ARACHNODACTYLY AND ABDOMINAL HERNIAS. Identifiers: Orphanet 2462, MedGen C1321551, MONDO:0008426, OMIM 182212.

Allele frequency attached by ClinVar (database versions not stated): gnomAD exomes 0.00001 and 0.00004; gnomAD 0.00003; ExAC 0.00004; TOPMed 0.00005.
gnomAD v4.1: 59 of 1,566,796 alleles (0.0038%); highest among the groups gnomAD compares: Middle Eastern, 0.017%; no homozygotes.

Submissions (4):

CeGaT Center for Human Genetics Tuebingen
Classification: Likely benign. Last evaluated: 2026-02-01. Review status: criteria provided, single submitter. Criteria: CeGaT Center For Human Genetics Tuebingen Variant Classification Criteria Version 2. Collection method: clinical testing. Allele origin: germline. Affected: yes. Observed: 1 variant allele.
Comment: SKI: BS2

GeneDx
Classification: Uncertain significance. Last evaluated: 2025-02-06. Review status: criteria provided, single submitter. Criteria: GeneDx Variant Classification Process June 2021. Collection method: clinical testing. Allele origin: germline.
Comment: Has not been previously published as pathogenic or benign to our knowledge; In silico analysis indicates that this missense variant does not alter protein structure/function

Labcorp Genetics (formerly Invitae), Labcorp
Classification: Likely benign for Shprintzen-Goldberg syndrome. Last evaluated: 2024-12-09. Review status: criteria provided, single submitter. Criteria: Invitae Variant Classification Sherloc (09022015). Collection method: clinical testing. Allele origin: germline.

Mayo Clinic Laboratories, Mayo Clinic
Classification: Uncertain significance. Last evaluated: 2023-07-26. Review status: criteria provided, single submitter. Criteria: ACMG Guidelines, 2015. Collection method: clinical testing. Allele origin: germline. Observed: 1 variant allele.